The following is an entry in ClinVar:

ClinVar aggregate classification (germline): Likely benign (0 of 4 stars; one submission).

Conditions:
YEATS2-related disorder. Also called: YEATS2-related condition.

Submission:

PreventionGenetics, part of Exact Sciences
Classification: Likely benign for YEATS2-related condition. Last evaluated: 2021-03-08. Review status: no assertion criteria provided. Collection method: clinical testing. Allele origin: germline.
Comment: This variant is classified as likely benign based on ACMG/AMP sequence variant interpretation guidelines (Richards et al. 2015 PMID: 25741868, with internal and published modifications).

NM_018023.5(YEATS2):c.2487_2501del (p.Ala830_Thr834del)

Gene: YEATS2 (YEATS domain containing 2; plus strand). Cytogenetic location: 3q27.1.
Variant type: Deletion.
Coding change: c.2487_2501del on transcript NM_018023.5 (MANE Select); coding-DNA positions 2487 to 2501, 15 bases deleted (AGCAGGAGGAGGAAC).
Protein change: p.Ala830_Thr834del.
Genome position (GRCh38, 1-based): chr3:183,776,033-183,776,047, AGCAGGAGGAGGAAC deleted; deleting any 15 consecutive bases within chr3:183,776,021-183,776,047 gives the same sequence; the c. name uses the placement nearest the transcript's 3' end. VCF-style (leftmost placement, unchanged base first): chr3-183776020-GAGGAGGAGGAACAGC-G. GRCh37 (hg19) VCF-style: chr3-183493808-GAGGAGGAGGAACAGC-G.
Other names: c.2487_2501del, p.Ala830_Thr834del (NM_001351369.2, NM_001351371.2); c.2490_2504del, p.Ala831_Thr835del (NM_001351370.2).
Identifiers: ClinVar variation 3045673 (VCV003045673.2), dbSNP rs776263149, ClinGen allele CA2722575.